The following is an entry in ClinVar:

NM_006739.4(MCM5):c.1198A>G (p.Ile400Val)

Gene: MCM5 (minichromosome maintenance complex component 5; plus strand). Cytogenetic location: 22q12.3.
Variant type: single nucleotide variant.
Coding change: c.1198A>G on transcript NM_006739.4 (MANE Select); coding-DNA position 1198, A replaced by G.
Protein change: p.Ile400Val; replaces isoleucine 400 with valine.
Molecular consequence: missense variant.
Genome position (GRCh38, 1-based): chr22:35,413,981, A>G. VCF-style: chr22-35413981-A-G. GRCh37 (hg19) VCF-style: chr22-35809974-A-G.
Other names: c.1198A>G (NM_006739.3); short protein forms I400V.
Identifiers: ClinVar variation 2733034 (VCV002733034.4), dbSNP rs542801531, ClinGen allele CA10205285.

ClinVar aggregate classification (germline): Uncertain significance. Review status: criteria provided, multiple submitters, no conflicts (2 of 4 stars). 2 submissions from 2 submitters: Uncertain significance (2). Last evaluated 2025-03-15.

Allele frequency attached by ClinVar (database versions not stated): ExAC 0.00008; gnomAD 0.00004; TOPMed below 0.00001; gnomAD exomes 0.00004.
gnomAD v4.1: 28 of 1,610,978 alleles (0.0017%); highest among the groups gnomAD compares: Admixed American, 0.047%; no homozygotes.

Submissions (2):

Ambry Genetics
Classification: Uncertain significance. Last evaluated: 2025-03-15. Review status: criteria provided, single submitter. Criteria: Ambry Variant Classification Scheme 2023. Collection method: clinical testing. Allele origin: germline.

Labcorp Genetics (formerly Invitae), Labcorp
Classification: Uncertain significance. Last evaluated: 2025-02-19. Review status: criteria provided, single submitter. Criteria: Invitae Variant Classification Sherloc (09022015). Collection method: clinical testing. Allele origin: germline.
Comment: This sequence change replaces isoleucine, which is neutral and non-polar, with valine, which is neutral and non-polar, at codon 400 of the MCM5 protein (p.Ile400Val). This variant is present in population databases (rs542801531, gnomAD 0.04%). This variant has not been reported in the literature in individuals affected with MCM5-related conditions. ClinVar contains an entry for this variant (Variation ID: 2733034). Invitae Evidence Modeling of protein sequence and biophysical properties (such as structural, functional, and spatial information, amino acid conservation, physicochemical variation, residue mobility, and thermodynamic stability) indicates that this missense variant is not expected to disrupt MCM5 protein function with a negative predictive value of 80%. In summary, the available evidence is currently insufficient to determine the role of this variant in disease. Therefore, it has been classified as a Variant of Uncertain Significance.